The following is an entry in ClinVar:

ClinVar aggregate classification (germline): Benign. Review status: criteria provided, multiple submitters, no conflicts (2 of 4 stars). 3 submissions from 3 submitters: Benign (3). Last evaluated 2018-11-12.

Conditions:
Hereditary angioedema type 1 (HAE1). Identifiers: Orphanet 100050, Orphanet 100051, Orphanet 91378, MedGen C2717906, MONDO:0015053, OMIM 106100.

Allele frequency attached by ClinVar (database versions not stated): gnomAD 0.38858 and 0.39382; TOPMed 0.41130; 1000 Genomes Project 30x 0.50062; 1000 Genomes Project 0.50919.
gnomAD v4.1: 461,883 of 1,287,044 alleles (36%); highest among the groups gnomAD compares: East Asian, 76%; 89,490 homozygotes.

Submissions (3):

GeneDx
Classification: Benign. Last evaluated: 2018-11-12. Review status: criteria provided, single submitter. Criteria: GeneDx Variant Classification Process June 2021. Collection method: clinical testing. Allele origin: germline. Affected: yes.

Breakthrough Genomics
Classification: Benign. Review status: criteria provided, single submitter. Criteria: ACMG Guidelines, 2015. Collection method: not provided. Allele origin: germline. Inheritance: Autosomal recessive inheritance. Affected: yes.

CeMIA
Classification: Benign for Hereditary angioedema type 1. Review status: criteria provided, single submitter. Criteria: ACMG Guidelines, 2015. Collection method: clinical testing. Allele origin: germline. Affected: yes.
Comment: This variant is considered likely benign or benign based on one or more of the following criteria: allele frequency is >5% in Exome Sequencing Project, 1000 Genomes Project, or Exome Aggregation Consortium (BA1), allele frequency is greater than expected for disorder (BS1), it is observed in a healthy adult individual (BS2), it is predicted to be benign by multiple in silico algorithms (BP4), it is found in a case with an alternate molecular basis for the disease (BP5) and/or reputable source recently reports variant as benign (BP6).

Literature cited by the submitters: PubMed 31959500 (cited by CeMIA).

NM_000062.3(SERPING1):c.52-130C>T

Gene: SERPING1 (serpin family G member 1; plus strand). Cytogenetic location: 11q12.1.
Variant type: single nucleotide variant.
Coding change: c.52-130C>T on transcript NM_000062.3 (MANE Select); 130 bases into the intron before coding-DNA position 52, C replaced by T.
Molecular consequence: intron variant.
Genome position (GRCh38, 1-based): chr11:57,599,749, C>T. VCF-style: chr11-57599749-C-T. GRCh37 (hg19) VCF-style: chr11-57367222-C-T.
Other names: c.52-130C>T (NM_001032295.2).
Identifiers: ClinVar variation 983239 (VCV000983239.4), dbSNP rs1005510, ClinGen allele CA15688050.
Genomic context (GRCh38, chr11:57,599,749, plus strand): 5'-TGTATTGCCCCTTCTCTGAGGAATTAGTGGTGGTGGTTCTAAGACAGATTGCTCATCTGC[C>T]GCACTGTCAGAAATTACTCTCTTGTACAGGACATTTTCCACATCCACACCTTCTCTTCCT-3'